The following is an entry in ClinVar:

ClinVar aggregate classification (germline): Uncertain significance (1 of 4 stars; one submission).

Conditions:
Hereditary cancer-predisposing syndrome. Also called: Neoplastic Syndromes, Hereditary; Tumor predisposition; Hereditary neoplastic syndrome; Hereditary Cancer Syndrome. Identifiers: Orphanet 140162, MedGen C0027672, MeSH D009386, MONDO:0015356.

gnomAD v4.1: 1 of 1,612,696 alleles (0.000062%); highest among the groups gnomAD compares: African/African-American, 0.0013%; no homozygotes.

Submission:

Ambry Genetics
Classification: Uncertain significance for Hereditary cancer-predisposing syndrome. Last evaluated: 2024-06-18. Review status: criteria provided, single submitter. Criteria: Ambry Variant Classification Scheme 2023. Collection method: clinical testing. Allele origin: germline.
Comment: The p.S304R variant (also known as c.912T>A), located in coding exon 7 of the RAD51C gene, results from a T to A substitution at nucleotide position 912. The serine at codon 304 is replaced by arginine, an amino acid with dissimilar properties. This amino acid position is highly conserved in available vertebrate species. In addition, the in silico prediction for this alteration is inconclusive. Based on the available evidence, the clinical significance of this variant remains unclear.

NM_058216.3(RAD51C):c.912T>A (p.Ser304Arg)

Gene: RAD51C (RAD51 paralog C; plus strand). Cytogenetic location: 17q22.
Variant type: single nucleotide variant.
Coding change: c.912T>A on transcript NM_058216.3 (MANE Select); coding-DNA position 912, T replaced by A.
Protein change: p.Ser304Arg; replaces serine 304 with arginine.
Molecular consequence: missense variant. On other transcripts: non-coding transcript variant (1).
Genome position (GRCh38, 1-based): chr17:58,724,047, T>A. VCF-style: chr17-58724047-T-A. GRCh37 (hg19) VCF-style: chr17-56801408-T-A.
Other names: short protein forms S304R.
Identifiers: ClinVar variation 3312389 (VCV003312389.1).
Genomic context (GRCh38, chr17:58,724,047, plus strand): 5'-TGTATAACCAAGTCAGTAAGGCCATATACAGTTATTATGTTTTTTACTCTCAGGGGAAAG[T>A]TGGGGACATGCTGCTACAATACGGCTAATCTTTCATTGGGACCGAAAGCAAAGGTCAGTA-3'
Protein context (NP_478123.1, residues 294-314): QALLVPALGE[Ser304Arg]WGHAATIRLI